The following is an entry in ClinVar:

ClinVar aggregate classification (germline): Conflicting classifications of pathogenicity. Review status: criteria provided, conflicting classifications (1 of 4 stars). 3 submissions from 3 submitters: Uncertain significance (2); Benign (1). Last evaluated 2025-04-08.

Conditions:
Epidermolysis bullosa dystrophica. Also called: Dystrophic epidermolysis bullosa, Hallopeau-Siemens type (formerly); Dystrophic epidermolysis bullosa. Identifiers: Orphanet 303, MedGen C0079294, MONDO:0006543.
COL7A1-related disorder. Also called: COL7A1-related condition; COL7A1- related disorders.

Allele frequency attached by ClinVar (database versions not stated): gnomAD exomes 0.00003 and 0.00007; TOPMed 0.00003; gnomAD 0.00004 and 0.00005; ESP Exome Variant Server 0.00008; ExAC 0.00009; 1000 Genomes Project 30x 0.00031.
gnomAD v4.1: 53 of 1,613,798 alleles (0.0033%); highest among the groups gnomAD compares: South Asian, 0.036%; no homozygotes.

Submissions (3):

Labcorp Genetics (formerly Invitae), Labcorp
Classification: Benign. Last evaluated: 2025-04-08. Review status: criteria provided, single submitter. Criteria: Invitae Variant Classification Sherloc (09022015). Collection method: clinical testing. Allele origin: germline.

PreventionGenetics, part of Exact Sciences
Classification: Uncertain significance for COL7A1-related condition. Last evaluated: 2022-11-15. Review status: criteria provided, single submitter. Criteria: ACMG Guidelines, 2015. Collection method: clinical testing. Allele origin: germline.
Comment: The COL7A1 c.3412G>A variant is predicted to result in the amino acid substitution p.Val1138Met. To our knowledge, this variant has not been reported in the literature. This variant is reported in 0.042% of alleles in individuals of South Asian descent in gnomAD. At this time, the clinical significance of this variant is uncertain due to the absence of conclusive functional and genetic evidence.

Illumina Laboratory Services, Illumina
Classification: Uncertain significance for Dystrophic epidermolysis bullosa. Last evaluated: 2018-01-13. Review status: criteria provided, single submitter. Criteria: ICSL Variant Classification Criteria 13 December 2019. Collection method: clinical testing. Allele origin: germline.

NM_000094.4(COL7A1):c.3412G>A (p.Val1138Met)

Gene: COL7A1 (collagen type VII alpha 1 chain; minus strand). Cytogenetic location: 3p21.31.
Variant type: single nucleotide variant.
Coding change: c.3412G>A on transcript NM_000094.4 (MANE Select); coding-DNA position 3412, G replaced by A.
Protein change: p.Val1138Met; replaces valine 1138 with methionine.
Molecular consequence: missense variant.
Genome position (GRCh38, 1-based): chr3:48,586,470, C>T on the plus strand (G>A on the coding strand, the complement: COL7A1 is on the minus strand). VCF-style: chr3-48586470-C-T. GRCh37 (hg19) VCF-style: chr3-48623903-C-T.
Other names: short protein forms V1138M.
Identifiers: ClinVar variation 345858 (VCV000345858.10), dbSNP rs145048666, ClinGen allele CA2380525.